The following is an entry in ClinVar:

ClinVar aggregate classification (germline): Pathogenic/Likely pathogenic. Review status: criteria provided, multiple submitters, no conflicts (2 of 4 stars). 2 submissions from 2 submitters: Pathogenic (1); Likely pathogenic (1). Last evaluated 2024-09-10.

Conditions:
Early-infantile DEE. Also called: Ohtahara syndrome; Early infantile epileptic encephalopathy; Early infantile epileptic encephalopathy with suppression bursts. Identifiers: Orphanet 1934, MedGen C0393706, MONDO:0800491.

Submissions (2):

Labcorp Genetics (formerly Invitae), Labcorp
Classification: Likely pathogenic for Early-infantile DEE. Last evaluated: 2024-09-10. Review status: criteria provided, single submitter. Criteria: Invitae Variant Classification Sherloc (09022015). Collection method: clinical testing. Allele origin: germline.
Comment: This sequence change replaces arginine, which is basic and polar, with leucine, which is neutral and non-polar, at codon 1648 of the SCN1A protein (p.Arg1648Leu). This variant is not present in population databases (gnomAD no frequency). This missense change has been observed in individual(s) with SCN1A-related conditions (PMID: 29655203). ClinVar contains an entry for this variant (Variation ID: 206854). Invitae Evidence Modeling of protein sequence and biophysical properties (such as structural, functional, and spatial information, amino acid conservation, physicochemical variation, residue mobility, and thermodynamic stability) indicates that this missense variant is expected to disrupt SCN1A protein function with a positive predictive value of 95%. This variant disrupts the p.Arg1648 amino acid residue in SCN1A. Other variant(s) that disrupt this residue have been determined to be pathogenic (PMID: 10742094, 20522430). This suggests that this residue is clinically significant, and that variants that disrupt this residue are likely to be disease-causing. In summary, the currently available evidence indicates that the variant is pathogenic, but additional data are needed to prove that conclusively. Therefore, this variant has been classified as Likely Pathogenic.

GeneDx
Classification: Pathogenic. Last evaluated: 2013-02-20. Review status: criteria provided, single submitter. Criteria: GeneDx Variant Classification (06012015). Collection method: clinical testing. Allele origin: germline. Affected: yes.
Comment: p.Arg1648Leu (CGT>CTT): c.4943 G>T in exon 26 of the SCN1A gene (NM_001165963.1) The Arg1648Leu missense change has not been published as a mutation, nor has it been reported as a benign polymorphism to our knowledge. The NHLBI ESP Exome Variant Project has not identified Arg1648Leu in approximately 6,500 individuals of European or African American ethnicity, indicating that it is not a common benign variant in these populations. The amino acid substitution is non-conservative, as a positively charged Arginine residue is replaced by an uncharged, non-polar Leucine residue. It alters a highly conserved position in the S4 (voltage sensor) segment of the fourth transmembrane domain, and multiple in silico algorithms predict it is damaging to protein structure/function. Additionally, a different amino acid substitution at the same amino acid position, Arg1648Cys, was found to co-segregate with GEFS+ in a large family and was also reported in an individual with Dravet syndrome (Ohmori et al., 2002). Another substitution at that position, Arg1648His, has been reported multiple times in association with Dravet syndrome, and functional studies indicate that it significantly impairs channel function (Escayg et al., 2000; Depienne et al., 2009; Alekov et al., 2000; Tang et al., 2009). Therefore, Arg1648Leu is considered a disease-causing mutation. The variant is found in EPILEPSY panel(s).

Literature cited by the submitters: PubMed 29655203 (cited by Labcorp Genetics (formerly Invitae), Labcorp); PubMed 10742094 (cited by Labcorp Genetics (formerly Invitae), Labcorp); PubMed 20522430 (cited by Labcorp Genetics (formerly Invitae), Labcorp).

NM_001165963.4(SCN1A):c.4943G>T (p.Arg1648Leu)

Genes: SCN1A (sodium voltage-gated channel alpha subunit 1; minus strand), LOC102724058 (uncharacterized LOC102724058; plus strand). Cytogenetic location: 2q24.3.
Variant type: single nucleotide variant.
Coding change: c.4943G>T on transcript NM_001165963.4 (MANE Select); coding-DNA position 4943, G replaced by T.
Protein change: p.Arg1648Leu; replaces arginine 1648 with leucine.
Molecular consequence: missense variant. On other transcripts: non-coding transcript variant (1).
Genome position (GRCh38, 1-based): chr2:165,992,332, C>A on the plus strand (G>T on the coding strand, the complement: SCN1A is on the minus strand). VCF-style: chr2-165992332-C-A. GRCh37 (hg19) VCF-style: chr2-166848842-C-A.
Other names: p.R1648L:CGT>CTT; c.4859G>T, p.Arg1620Leu (NM_001165964.3, NM_001353957.2, NM_001353958.2); c.4943G>T, p.Arg1648Leu (NM_001202435.3, NM_001353948.2); c.4910G>T, p.Arg1637Leu (NM_001353949.2, NM_001353950.2, NM_001353951.2 and 2 more transcripts); c.4907G>T, p.Arg1636Leu (NM_001353954.2, NM_001353955.2); c.4856G>T, p.Arg1619Leu (NM_001353960.2); c.2501G>T, p.Arg834Leu (NM_001353961.2); short protein forms R1637L, R1648L, R1620L, R1636L, R834L, R1619L.
Identifiers: ClinVar variation 206854 (VCV000206854.4), dbSNP rs121918622, ClinGen allele CA317561.